The following is an entry in ClinVar:

NM_002350.4(LYN):c.415G>A (p.Ala139Thr)

Gene: LYN (LYN proto-oncogene, Src family tyrosine kinase; plus strand). Cytogenetic location: 8q12.1.
Variant type: single nucleotide variant.
Coding change: c.415G>A on transcript NM_002350.4 (MANE Select); coding-DNA position 415, G replaced by A.
Protein change: p.Ala139Thr; replaces alanine 139 with threonine.
Molecular consequence: missense variant.
Genome position (GRCh38, 1-based): chr8:55,950,712, G>A. VCF-style: chr8-55950712-G-A. GRCh37 (hg19) VCF-style: chr8-56863271-G-A.
Other names: c.352G>A, p.Ala118Thr (NM_001111097.3); short protein forms A139T, A118T.
Identifiers: ClinVar variation 1514735 (VCV001514735.6), dbSNP rs752739111, ClinGen allele CA4754022.

ClinVar aggregate classification (germline): Uncertain significance (1 of 4 stars; one submission).

Allele frequency attached by ClinVar (database versions not stated): gnomAD 0.00001; gnomAD exomes 0.00001 and 0.00003; ExAC 0.00002; TOPMed 0.00002.
gnomAD v4.1: 43 of 1,613,864 alleles (0.0027%); highest among the groups gnomAD compares: Non-Finnish European, 0.0035%; no homozygotes.

Submission:

Labcorp Genetics (formerly Invitae), Labcorp
Classification: Uncertain significance. Last evaluated: 2026-01-26. Review status: criteria provided, single submitter. Criteria: Invitae Variant Classification Sherloc (09022015). Collection method: clinical testing. Allele origin: germline.
Comment: This sequence change replaces alanine, which is neutral and non-polar, with threonine, which is neutral and polar, at codon 139 of the LYN protein (p.Ala139Thr). This variant is present in population databases (rs752739111, gnomAD 0.003%). This variant has not been reported in the literature in individuals affected with LYN-related conditions. ClinVar contains an entry for this variant (Variation ID: 1514735). An algorithm developed to predict the effect of missense changes on protein structure and function (PolyPhen-2) suggests that this variant is likely to be disruptive. In summary, the available evidence is currently insufficient to determine the role of this variant in disease. Therefore, it has been classified as a Variant of Uncertain Significance.